The following is an entry in ClinVar:

NM_020911.2(PLXNA4):c.4437C>T (p.Gly1479=)

Gene: PLXNA4 (plexin A4; minus strand). Cytogenetic location: 7q32.3.
Variant type: single nucleotide variant.
Coding change: c.4437C>T on transcript NM_020911.2 (MANE Select); coding-DNA position 4437, C replaced by T.
Protein change: p.Gly1479=; no amino-acid change (glycine 1479 retained).
Molecular consequence: synonymous variant.
Genome position (GRCh38, 1-based): chr7:132,164,205, G>A on the plus strand (C>T on the coding strand, the complement: PLXNA4 is on the minus strand). VCF-style: chr7-132164205-G-A. GRCh37 (hg19) VCF-style: chr7-131848964-G-A.
Other names: c.4437C>T, p.Gly1479= (NM_001393897.1).
Identifiers: ClinVar variation 3055173 (VCV003055173.2), dbSNP rs762377518, ClinGen allele CA4489196.

ClinVar aggregate classification (germline): Likely benign (0 of 4 stars; one submission).

Conditions:
PLXNA4-related disorder. Also called: PLXNA4-related condition.

Allele frequency attached by ClinVar (database versions not stated): ExAC 0.00001; gnomAD 0.00001; TOPMed 0.00003.
gnomAD v4.1: 14 of 1,614,102 alleles (0.00087%); highest among the groups gnomAD compares: Admixed American, 0.0067%; no homozygotes.

Submission:

PreventionGenetics, part of Exact Sciences
Classification: Likely benign for PLXNA4-related condition. Last evaluated: 2024-01-19. Review status: no assertion criteria provided. Collection method: clinical testing. Allele origin: germline.
Comment: This variant is classified as likely benign based on ACMG/AMP sequence variant interpretation guidelines (Richards et al. 2015 PMID: 25741868, with internal and published modifications).